The following is an entry in ClinVar:

NM_001184.4(ATR):c.4274T>G (p.Leu1425Arg)

Gene: ATR (ATR checkpoint kinase; minus strand). Cytogenetic location: 3q23.
Variant type: single nucleotide variant.
Coding change: c.4274T>G on transcript NM_001184.4 (MANE Select); coding-DNA position 4274, T replaced by G.
Protein change: p.Leu1425Arg; replaces leucine 1425 with arginine.
Molecular consequence: missense variant.
Genome position (GRCh38, 1-based): chr3:142,519,777, A>C on the plus strand (T>G on the coding strand, the complement: ATR is on the minus strand). VCF-style: chr3-142519777-A-C. GRCh37 (hg19) VCF-style: chr3-142238619-A-C.
Other names: c.4082T>G, p.Leu1361Arg (NM_001354579.2); short protein forms L1361R, L1425R.
Identifiers: ClinVar variation 1739283 (VCV001739283.2), dbSNP rs2108389013, ClinGen allele CA354800415.

ClinVar aggregate classification (germline): Uncertain significance (1 of 4 stars; one submission).

Conditions:
Inborn genetic diseases. Identifiers: MedGen C0950123, MeSH D030342.

Submission:

Ambry Genetics
Classification: Uncertain significance for Inborn genetic diseases. Last evaluated: 2021-12-10. Review status: criteria provided, single submitter. Criteria: Ambry Variant Classification Scheme 2023. Collection method: clinical testing. Allele origin: germline.
Comment: The p.L1425R variant (also known as c.4274T>G), located in coding exon 24 of the ATR gene, results from a T to G substitution at nucleotide position 4274. The leucine at codon 1425 is replaced by arginine, an amino acid with dissimilar properties. This amino acid position is conserved. In addition, this alteration is predicted to be deleterious by in silico analysis. Since supporting evidence is limited at this time, the clinical significance of this alteration remains unclear.